The following is an entry in ClinVar:

ClinVar aggregate classification (germline): Likely benign (1 of 4 stars; one submission).

Allele frequency attached by ClinVar (database versions not stated): gnomAD 0.00001; gnomAD exomes below 0.00001; TOPMed below 0.00001.
gnomAD v4.1: 2 of 1,614,036 alleles (0.00012%); no homozygotes.

Submission:

GeneDx
Classification: Likely benign. Last evaluated: 2018-02-08. Review status: criteria provided, single submitter. Criteria: GeneDx Variant Classification (06012015). Collection method: clinical testing. Allele origin: germline. Affected: yes.
Comment: This variant is considered likely benign or benign based on one or more of the following criteria: it is a conservative change, it occurs at a poorly conserved position in the protein, it is predicted to be benign by multiple in silico algorithms, and/or has population frequency not consistent with disease.

NM_000182.5(HADHA):c.2147-17C>T

Genes: HADHA (hydroxyacyl-CoA dehydrogenase trifunctional multienzyme complex subunit alpha; minus strand), GAREM2 (GRB2 associated regulator of MAPK1 subtype 2; plus strand). Cytogenetic location: 2p23.3.
Variant type: single nucleotide variant.
Coding change: c.2147-17C>T on transcript NM_000182.5 (MANE Select); 17 bases into the intron before coding-DNA position 2147, C replaced by T.
Molecular consequence: intron variant.
Genome position (GRCh38, 1-based): chr2:26,191,412, G>A on the plus strand (C>T on the coding strand, the complement: HADHA is on the minus strand). VCF-style: chr2-26191412-G-A. GRCh37 (hg19) VCF-style: chr2-26414281-G-A.
Identifiers: ClinVar variation 514920 (VCV000514920.1), dbSNP rs1195994754, ClinGen allele CA531761187.